The following is an entry in ClinVar:

NM_017617.5(NOTCH1):c.738G>C (p.Leu246=)

Gene: NOTCH1 (notch receptor 1; minus strand). Cytogenetic location: 9q34.3.
Variant type: single nucleotide variant.
Coding change: c.738G>C on transcript NM_017617.5 (MANE Select); coding-DNA position 738, G replaced by C.
Protein change: p.Leu246=; no amino-acid change (leucine 246 retained).
Molecular consequence: synonymous variant.
Genome position (GRCh38, 1-based): chr9:136,522,854, C>G on the plus strand (G>C on the coding strand, the complement: NOTCH1 is on the minus strand). VCF-style: chr9-136522854-C-G. GRCh37 (hg19) VCF-style: chr9-139417306-C-G.
Identifiers: ClinVar variation 3046994 (VCV003046994.2), dbSNP rs1212311457, ClinGen allele CA467833811.

ClinVar aggregate classification (germline): Likely benign (0 of 4 stars; one submission).

Conditions:
NOTCH1-related disorder. Also called: NOTCH1-related condition; NOTCH1-related disorders.

Submission:

PreventionGenetics, part of Exact Sciences
Classification: Likely benign for NOTCH1-related condition. Last evaluated: 2020-09-14. Review status: no assertion criteria provided. Collection method: clinical testing. Allele origin: germline.
Comment: This variant is classified as likely benign based on ACMG/AMP sequence variant interpretation guidelines (Richards et al. 2015 PMID: 25741868, with internal and published modifications).